The following is an entry in ClinVar:

NM_213599.3(ANO5):c.889G>T (p.Gly297Ter)

Gene: ANO5 (anoctamin 5; plus strand). Cytogenetic location: 11p14.3.
Variant type: single nucleotide variant.
Coding change: c.889G>T on transcript NM_213599.3 (MANE Select); coding-DNA position 889, G replaced by T.
Protein change: p.Gly297Ter; replaces glycine 297 with a stop codon.
Molecular consequence: nonsense.
Genome position (GRCh38, 1-based): chr11:22,250,247, G>T. VCF-style: chr11-22250247-G-T. GRCh37 (hg19) VCF-style: chr11-22271793-G-T.
Other names: c.886G>T, p.Gly296Ter (NM_001142649.2); short protein forms G297*, G296*.
Identifiers: ClinVar variation 285319 (VCV000285319.6), dbSNP rs886043074, ClinGen allele CA10605076.

ClinVar aggregate classification (germline): Pathogenic. Review status: criteria provided, multiple submitters, no conflicts (2 of 4 stars). 2 submissions from 2 submitters: Pathogenic (2). Last evaluated 2025-07-23.

Conditions:
Autosomal recessive limb-girdle muscular dystrophy type 2L (LGMDR12). Also called: Limb-girdle muscular dystrophy, type 2L; Limb-Girdle Muscular Dystrophy R12 Anoctamin-5-Related (LGMD-R12); MUSCULAR DYSTROPHY, LIMB-GIRDLE, AUTOSOMAL RECESSIVE 12. Identifiers: Orphanet 206549, MedGen C1969785, MONDO:0012652, OMIM 611307.
Gnathodiaphyseal dysplasia (GDD). Also called: GNATHODIAPHYSEAL SCLEROSIS; OSTEOGENESIS IMPERFECTA WITH UNUSUAL SKELETAL LESIONS. Identifiers: Orphanet 53697, MedGen C1833736, MONDO:0008151, OMIM 166260.

Submissions (2):

Labcorp Genetics (formerly Invitae), Labcorp
Classification: Pathogenic for Autosomal recessive limb-girdle muscular dystrophy type 2L; Gnathodiaphyseal dysplasia. Last evaluated: 2025-07-23. Review status: criteria provided, single submitter. Criteria: Invitae Variant Classification Sherloc (09022015). Collection method: clinical testing. Allele origin: germline.
Comment: This sequence change creates a premature translational stop signal (p.Gly297*) in the ANO5 gene. It is expected to result in an absent or disrupted protein product. Loss-of-function variants in ANO5 are known to be pathogenic (PMID: 21186264, 23606453, 25891276, 30919934). This variant is not present in population databases (gnomAD no frequency). This variant has not been reported in the literature in individuals affected with ANO5-related conditions. ClinVar contains an entry for this variant (Variation ID: 285319). Algorithms developed to predict the effect of sequence changes on RNA splicing suggest that this variant may disrupt the consensus splice site. For these reasons, this variant has been classified as Pathogenic.

Eurofins Ntd Llc (ga)
Classification: Pathogenic. Last evaluated: 2016-01-05. Review status: criteria provided, single submitter. Criteria: EGL Classification Definitions 2015. Collection method: clinical testing. Allele origin: germline. Observed: 1 variant allele, 1 homozygote.

Literature cited by the submitters: PubMed 21186264 (cited by Labcorp Genetics (formerly Invitae), Labcorp); PubMed 23606453 (cited by Labcorp Genetics (formerly Invitae), Labcorp); PubMed 25891276 (cited by Labcorp Genetics (formerly Invitae), Labcorp); PubMed 30919934 (cited by Labcorp Genetics (formerly Invitae), Labcorp).